The following is an entry in ClinVar:

ClinVar aggregate classification (germline): Uncertain significance (1 of 4 stars; one submission).

Conditions:
Acyl-CoA oxidase deficiency. Also called: Peroxisomal acyl-CoA oxidase deficiency; STRAIGHT-CHAIN ACYL-CoA OXIDASE DEFICIENCY; Pseudoneonatal adrenoleukodystrophy. Identifiers: Orphanet 2971, MedGen C1849678, MONDO:0009919, OMIM 264470. Disease mechanism: loss of function.

Submission:

Labcorp Genetics (formerly Invitae), Labcorp
Classification: Uncertain significance for Acyl-CoA oxidase deficiency. Last evaluated: 2023-09-22. Review status: criteria provided, single submitter. Criteria: Invitae Variant Classification Sherloc (09022015). Collection method: clinical testing. Allele origin: germline.
Comment: This variant has not been reported in the literature in individuals affected with ACOX1-related conditions. This variant is not present in population databases (gnomAD no frequency). This sequence change replaces aspartic acid, which is acidic and polar, with asparagine, which is neutral and polar, at codon 440 of the ACOX1 protein (p.Asp440Asn). In summary, the available evidence is currently insufficient to determine the role of this variant in disease. Therefore, it has been classified as a Variant of Uncertain Significance. Advanced modeling of protein sequence and biophysical properties (such as structural, functional, and spatial information, amino acid conservation, physicochemical variation, residue mobility, and thermodynamic stability) performed at Invitae indicates that this missense variant is not expected to disrupt ACOX1 protein function.

NM_004035.7(ACOX1):c.1318G>A (p.Asp440Asn)

Gene: ACOX1 (acyl-CoA oxidase 1; minus strand). Cytogenetic location: 17q25.1.
Variant type: single nucleotide variant.
Coding change: c.1318G>A on transcript NM_004035.7 (MANE Select); coding-DNA position 1318, G replaced by A.
Protein change: p.Asp440Asn; replaces aspartic acid 440 with asparagine.
Molecular consequence: missense variant.
Genome position (GRCh38, 1-based): chr17:75,949,878, C>T on the plus strand (G>A on the coding strand, the complement: ACOX1 is on the minus strand). VCF-style: chr17-75949878-C-T. GRCh37 (hg19) VCF-style: chr17-73945959-C-T.
Other names: c.1204G>A, p.Asp402Asn (NM_001185039.2); c.1318G>A, p.Asp440Asn (NM_007292.6); short protein forms D402N, D440N.
Identifiers: ClinVar variation 2762501 (VCV002762501.3), dbSNP rs2546075254, ClinGen allele CA401061480.